The following is an entry in ClinVar:

ClinVar aggregate classification (germline): Conflicting classifications of pathogenicity. Review status: criteria provided, conflicting classifications (1 of 4 stars). 2 submissions from 2 submitters: Uncertain significance (1); Likely benign (1). Last evaluated 2025-09-08.

Allele frequency attached by ClinVar (database versions not stated): gnomAD 0.00001; TOPMed 0.00004.
gnomAD v4.1: 24 of 1,611,248 alleles (0.0015%); highest among the groups gnomAD compares: South Asian, 0.0044%; no homozygotes.

Submissions (2):

Labcorp Genetics (formerly Invitae), Labcorp
Classification: Uncertain significance. Last evaluated: 2025-09-08. Review status: criteria provided, single submitter. Criteria: Invitae Variant Classification Sherloc (09022015). Collection method: clinical testing. Allele origin: germline.
Comment: This sequence change replaces proline, which is neutral and non-polar, with leucine, which is neutral and non-polar, at codon 402 of the MYLK3 protein (p.Pro402Leu). This variant is present in population databases (rs761650400, gnomAD 0.003%). This variant has not been reported in the literature in individuals affected with MYLK3-related conditions. ClinVar contains an entry for this variant (Variation ID: 1404500). An algorithm developed to predict the effect of missense changes on protein structure and function outputs the following: PolyPhen-2: "Benign". The leucine amino acid residue is found in multiple mammalian species, which suggests that this missense change does not adversely affect protein function. In summary, the available evidence is currently insufficient to determine the role of this variant in disease. Therefore, it has been classified as a Variant of Uncertain Significance.

Ambry Genetics
Classification: Likely benign. Last evaluated: 2022-12-27. Review status: criteria provided, single submitter. Criteria: Ambry Variant Classification Scheme 2023. Collection method: clinical testing. Allele origin: germline.

NM_182493.3(MYLK3):c.1205C>T (p.Pro402Leu)

Gene: MYLK3 (myosin light chain kinase 3; minus strand). Cytogenetic location: 16q11.2.
Variant type: single nucleotide variant.
Coding change: c.1205C>T on transcript NM_182493.3 (MANE Select); coding-DNA position 1205, C replaced by T.
Protein change: p.Pro402Leu; replaces proline 402 with leucine.
Molecular consequence: missense variant.
Genome position (GRCh38, 1-based): chr16:46,732,465, G>A on the plus strand (C>T on the coding strand, the complement: MYLK3 is on the minus strand). VCF-style: chr16-46732465-G-A. GRCh37 (hg19) VCF-style: chr16-46766377-G-A.
Other names: c.1205C>T (NM_182493.2); c.182C>T, p.Pro61Leu (NM_001308301.1); short protein forms P402L, P61L.
Identifiers: ClinVar variation 1404500 (VCV001404500.7), dbSNP rs761650400, ClinGen allele CA8038049.